The following is an entry in ClinVar:

ClinVar aggregate classification (germline): Uncertain significance. Review status: criteria provided, multiple submitters, no conflicts (2 of 4 stars). 2 submissions from 2 submitters: Uncertain significance (2). Last evaluated 2025-07-24.

Conditions:
Norman-Roberts syndrome (LIS2). Also called: Lissencephaly 2 (Norman-Roberts type). Identifiers: Orphanet 89844, MedGen C0796089, MONDO:0009760, OMIM 257320.
Familial temporal lobe epilepsy 7. Identifiers: Orphanet 101046, MedGen C4225327, MONDO:0014639, OMIM 616436.

Allele frequency attached by ClinVar (database versions not stated): TOPMed below 0.00001; gnomAD exomes 0.00001; ExAC 0.00002.
gnomAD v4.1: 9 of 1,612,866 alleles (0.00056%); highest among the groups gnomAD compares: Admixed American, 0.0017%; no homozygotes.

Submissions (2):

Labcorp Genetics (formerly Invitae), Labcorp
Classification: Uncertain significance for Familial temporal lobe epilepsy 7; Norman-Roberts syndrome. Last evaluated: 2025-07-24. Review status: criteria provided, single submitter. Criteria: Invitae Variant Classification Sherloc (09022015). Collection method: clinical testing. Allele origin: germline.
Comment: This sequence change replaces alanine, which is neutral and non-polar, with valine, which is neutral and non-polar, at codon 25 of the RELN protein (p.Ala25Val). This variant is present in population databases (rs757957218, gnomAD 0.006%). This variant has not been reported in the literature in individuals affected with RELN-related conditions. ClinVar contains an entry for this variant (Variation ID: 1034150). Invitae Evidence Modeling of protein sequence and biophysical properties (such as structural, functional, and spatial information, amino acid conservation, physicochemical variation, residue mobility, and thermodynamic stability) indicates that this missense variant is not expected to disrupt RELN protein function with a negative predictive value of 80%. In summary, the available evidence is currently insufficient to determine the role of this variant in disease. Therefore, it has been classified as a Variant of Uncertain Significance.

Baylor Genetics
Classification: Uncertain significance for Norman-Roberts syndrome. Last evaluated: 2018-06-16. Review status: criteria provided, single submitter. Criteria: ACMG Guidelines, 2015. Collection method: clinical testing. Allele origin: maternal. Affected: yes.
Comment: This variant was determined to be of uncertain significance according to ACMG Guidelines, 2015 [PMID:25741868].

NM_005045.4(RELN):c.74C>T (p.Ala25Val)

Gene: RELN (reelin; minus strand). Cytogenetic location: 7q22.1.
Variant type: single nucleotide variant.
Coding change: c.74C>T on transcript NM_005045.4 (MANE Select); coding-DNA position 74, C replaced by T.
Protein change: p.Ala25Val; replaces alanine 25 with valine.
Molecular consequence: missense variant.
Genome position (GRCh38, 1-based): chr7:103,989,283, G>A on the plus strand (C>T on the coding strand, the complement: RELN is on the minus strand). VCF-style: chr7-103989283-G-A. GRCh37 (hg19) VCF-style: chr7-103629730-G-A.
Other names: c.74C>T, p.Ala25Val (NM_173054.3); short protein forms A25V.
Identifiers: ClinVar variation 1034150 (VCV001034150.4), dbSNP rs757957218, ClinGen allele CA4422728.
Genomic context (GRCh38, chr7:103,989,283, plus strand): 5'-TCCCCGTGGTGGGTGCACAGGAAAAAGAAGGGCGAAAAGCGGGGGTAATAGCCAGCCGCC[G>A]CGCGCGCCCTCAGCGTCGCCCCCAGCAACAGCGCTAGGAGGAAAGTCTGCCGGGCCCAGC-3'
Protein context (NP_005036.2, residues 15-35): LLLGATLRAR[Ala25Val]AAGYYPRFSP